The following is an entry in ClinVar:

NM_000286.3(PEX12):c.872A>C (p.Asn291Thr)

Gene: PEX12 (peroxisomal biogenesis factor 12; minus strand). Cytogenetic location: 17q12.
Variant type: single nucleotide variant.
Coding change: c.872A>C on transcript NM_000286.3 (MANE Select); coding-DNA position 872, A replaced by C.
Protein change: p.Asn291Thr; replaces asparagine 291 with threonine.
Molecular consequence: missense variant.
Genome position (GRCh38, 1-based): chr17:35,575,990, T>G on the plus strand (A>C on the coding strand, the complement: PEX12 is on the minus strand). VCF-style: chr17-35575990-T-G. GRCh37 (hg19) VCF-style: chr17-33903009-T-G.
Other names: c.872A>C (NM_000286.2); short protein forms N291T.
Identifiers: ClinVar variation 2140478 (VCV002140478.3), dbSNP rs749859287, ClinGen allele CA8504831.

ClinVar aggregate classification (germline): Uncertain significance. Review status: criteria provided, multiple submitters, no conflicts (2 of 4 stars). 2 submissions from 2 submitters: Uncertain significance (2). Last evaluated 2023-06-29.

Conditions:
Inborn genetic diseases. Identifiers: MedGen C0950123, MeSH D030342.
Peroxisome biogenesis disorder 3A (Zellweger). Also called: Peroxisome biogenesis disorder 3A; PEROXISOMAL BIOGENESIS DISORDER 3A (ZELLWEGER). Identifiers: Orphanet 912, MedGen C3553929, MONDO:0013927, OMIM 614859.

Allele frequency attached by ClinVar (database versions not stated): ExAC 0.00001; gnomAD 0.00001; gnomAD exomes 0.00001; TOPMed 0.00001.

Submissions (2):

Ambry Genetics
Classification: Uncertain significance for Inborn genetic diseases. Last evaluated: 2023-06-29. Review status: criteria provided, single submitter. Criteria: Ambry Variant Classification Scheme 2023. Collection method: clinical testing. Allele origin: germline.

Labcorp Genetics (formerly Invitae), Labcorp
Classification: Uncertain significance for Peroxisome biogenesis disorder 3A (Zellweger). Last evaluated: 2022-05-27. Review status: criteria provided, single submitter. Criteria: Invitae Variant Classification Sherloc (09022015). Collection method: clinical testing. Allele origin: germline.
Comment: This sequence change replaces asparagine, which is neutral and polar, with threonine, which is neutral and polar, at codon 291 of the PEX12 protein (p.Asn291Thr). This variant is present in population databases (rs749859287, gnomAD 0.02%). This variant has not been reported in the literature in individuals affected with PEX12-related conditions. Algorithms developed to predict the effect of missense changes on protein structure and function (SIFT, PolyPhen-2, Align-GVGD) all suggest that this variant is likely to be tolerated. In summary, the available evidence is currently insufficient to determine the role of this variant in disease. Therefore, it has been classified as a Variant of Uncertain Significance.